The following is an entry in ClinVar:

NM_012062.5(DNM1L):c.1190G>C (p.Arg397Thr)

Gene: DNM1L (dynamin 1 like; plus strand). Cytogenetic location: 12p11.21.
Variant type: single nucleotide variant.
Coding change: c.1190G>C on transcript NM_012062.5 (MANE Select); coding-DNA position 1190, G replaced by C.
Protein change: p.Arg397Thr; replaces arginine 397 with threonine.
Molecular consequence: missense variant.
Genome position (GRCh38, 1-based): chr12:32,731,124, G>C. VCF-style: chr12-32731124-G-C. GRCh37 (hg19) VCF-style: chr12-32884058-G-C.
Other names: c.1190G>C, p.Arg397Thr (NM_001278463.2, NM_005690.5, NM_012063.4); c.1229G>C, p.Arg410Thr (NM_001278464.2, NM_001278465.2, NM_001330380.2); c.581G>C, p.Arg194Thr (NM_001278466.2); short protein forms R194T, R410T, R397T.
Identifiers: ClinVar variation 2045594 (VCV002045594.4), dbSNP rs1443306992, ClinGen allele CA384357480.
Genomic context (GRCh38, chr12:32,731,124, plus strand): 5'-CCTTAGAATCTGTTGATCCACTTGGTGGCCTTAACACTATTGACATTTTGACTGCCATTA[G>C]AAATGCTACTGTGAGTATGTTTAGCTTTTTAGACTGTAAAAAAAAATGAGGTTAAAGTTT-3'
Protein context (NP_036192.2, residues 387-407): LNTIDILTAI[Arg397Thr]NATGPRPALF

ClinVar aggregate classification (germline): Uncertain significance (1 of 4 stars; one submission).

Allele frequency attached by ClinVar (database versions not stated): gnomAD exomes below 0.00001.
gnomAD v4.1: 4 of 1,613,954 alleles (0.00025%); highest among the groups gnomAD compares: Non-Finnish European, 0.00034%; no homozygotes.

Submission:

Labcorp Genetics (formerly Invitae), Labcorp
Classification: Uncertain significance. Last evaluated: 2026-02-02. Review status: criteria provided, single submitter. Criteria: Invitae Variant Classification Sherloc (09022015). Collection method: clinical testing. Allele origin: germline.
Comment: This sequence change replaces arginine, which is basic and polar, with threonine, which is neutral and polar, at codon 397 of the DNM1L protein (p.Arg397Thr). This variant is present in population databases (no rsID available, gnomAD 0.0009%). This variant has not been reported in the literature in individuals affected with DNM1L-related conditions. ClinVar contains an entry for this variant (Variation ID: 2045594). An algorithm developed to predict the effect of missense changes on protein structure and function (PolyPhen-2) suggests that this variant is likely to be disruptive. In summary, the available evidence is currently insufficient to determine the role of this variant in disease. Therefore, it has been classified as a Variant of Uncertain Significance.